The following is an entry in ClinVar:

NM_007214.5(SEC63):c.363A>G (p.Lys121=)

Gene: SEC63 (SEC63 protein translocation regulator; minus strand). Cytogenetic location: 6q21.
Variant type: single nucleotide variant.
Coding change: c.363A>G on transcript NM_007214.5 (MANE Select); coding-DNA position 363, A replaced by G.
Protein change: p.Lys121=; no amino-acid change (lysine 121 retained).
Molecular consequence: synonymous variant.
Genome position (GRCh38, 1-based): chr6:107,921,886, T>C on the plus strand (A>G on the coding strand, the complement: SEC63 is on the minus strand). VCF-style: chr6-107921886-T-C. GRCh37 (hg19) VCF-style: chr6-108243090-T-C.
Other names: p.Lys121=.
Identifiers: ClinVar variation 1600829 (VCV001600829.9), dbSNP rs146677514, ClinGen allele CA3947726.

ClinVar aggregate classification (germline): Benign/Likely benign. Review status: criteria provided, multiple submitters, no conflicts (2 of 4 stars). 2 submissions from 2 submitters: Benign (1); Likely benign (1). Last evaluated 2025-12-29.

Allele frequency attached by ClinVar (database versions not stated): gnomAD exomes 0.00024 and 0.00071; ExAC 0.00100; ESP Exome Variant Server 0.00269; gnomAD 0.00301 and 0.00308; TOPMed 0.00321; 1000 Genomes Project 0.00399; 1000 Genomes Project 30x 0.00484.
gnomAD v4.1: 812 of 1,609,874 alleles (0.05%); highest among the groups gnomAD compares: African/African-American, 0.99%; 6 homozygotes.

Submissions (2):

Labcorp Genetics (formerly Invitae), Labcorp
Classification: Benign. Last evaluated: 2025-12-29. Review status: criteria provided, single submitter. Criteria: Invitae Variant Classification Sherloc (09022015). Collection method: clinical testing. Allele origin: germline.

Mayo Clinic Laboratories, Mayo Clinic
Classification: Likely benign. Last evaluated: 2025-10-12. Review status: criteria provided, single submitter. Criteria: ACMG Guidelines, 2015. Collection method: clinical testing. Allele origin: germline. Observed: 1 variant allele.
Comment: BS1, BP4, BP7